The following is an entry in ClinVar:

ClinVar aggregate classification (germline): Likely benign. Review status: criteria provided, multiple submitters, no conflicts (2 of 4 stars). 8 submissions from 7 submitters: Likely benign (8). Last evaluated 2026-02-04.

Conditions:
Usher syndrome type 1D (USH1D). Also called: USHER SYNDROME, TYPE ID. Identifiers: Orphanet 231169, Orphanet 886, MedGen C1832845, MONDO:0010984, OMIM 601067.
Autosomal recessive nonsyndromic hearing loss 12. Also called: DEAFNESS, AUTOSOMAL RECESSIVE 12. Identifiers: Orphanet 90636, MedGen C1832394, MONDO:0011067, OMIM 601386.
CDH23-related disorder. Also called: CDH23-related condition; CDH23-related disorders.

Allele frequency attached by ClinVar (database versions not stated): gnomAD 0.00006; TOPMed 0.00016; 1000 Genomes Project 30x 0.00078; 1000 Genomes Project 0.00100.
gnomAD v4.1: 599 of 1,613,972 alleles (0.037%); highest among the groups gnomAD compares: East Asian, 1.3%; 4 homozygotes.

Submissions (8):

Labcorp Genetics (formerly Invitae), Labcorp
Classification: Likely benign. Last evaluated: 2026-02-04. Review status: criteria provided, single submitter. Criteria: Invitae Variant Classification Sherloc (09022015). Collection method: clinical testing. Allele origin: germline.

PreventionGenetics, part of Exact Sciences
Classification: Likely benign for CDH23-related condition. Last evaluated: 2025-12-30. Review status: criteria provided, single submitter. Criteria: ACMG Guidelines, 2015. Collection method: clinical testing. Allele origin: germline.
Comment: This variant is classified as likely benign based on ACMG/AMP sequence variant interpretation guidelines (Richards et al. 2015 PMID: 25741868, with internal and published modifications).

Mayo Clinic Laboratories, Mayo Clinic
Classification: Likely benign. Last evaluated: 2025-04-01. Review status: criteria provided, single submitter. Criteria: ACMG Guidelines, 2015. Collection method: clinical testing. Allele origin: germline. Observed: 1 variant allele.
Comment: BS1_supporting, BP4

Blueprint Genetics
Classification: Likely benign. Last evaluated: 2024-11-06. Review status: criteria provided, single submitter. Criteria: ACMG Guidelines, 2015. Collection method: clinical testing. Allele origin: germline.

GeneDx
Classification: Likely benign. Last evaluated: 2019-08-13. Review status: criteria provided, single submitter. Criteria: GeneDx Variant Classification Process June 2021. Collection method: clinical testing. Allele origin: germline. Affected: yes.
Comment: This variant is associated with the following publications: (PMID: 22899989, 17850630, 18368581, 30245029, 24767429)

Illumina Laboratory Services, Illumina
Classification: Likely benign for Autosomal recessive nonsyndromic hearing loss 12. Last evaluated: 2017-04-27. Review status: criteria provided, single submitter. Criteria: ICSL Variant Classification Criteria 13 December 2019. Collection method: clinical testing. Allele origin: germline.
Comment: This variant was observed as part of a predisposition screen in an ostensibly healthy population. A literature search was performed for the gene, cDNA change, and amino acid change (where applicable). Publications were found based on this search. The evidence from the literature, in combination with allele frequency data from public databases where available, was sufficient to determine this variant is unlikely to cause disease. Therefore, this variant is classified as likely benign.

Illumina Laboratory Services, Illumina
Classification: Likely benign for Usher syndrome type 1D. Last evaluated: 2017-04-27. Review status: criteria provided, single submitter. Criteria: ICSL Variant Classification Criteria 13 December 2019. Collection method: clinical testing. Allele origin: germline.
Comment: This variant was observed as part of a predisposition screen in an ostensibly healthy population. A literature search was performed for the gene, cDNA change, and amino acid change (where applicable). No publications were found based on this search. Allele frequency data from public databases allowed determination this variant is unlikely to cause disease. Therefore, this variant is classified as likely benign.

Laboratory for Molecular Medicine, Mass General Brigham Personalized Medicine
Classification: Likely benign. Last evaluated: 2016-07-21. Review status: criteria provided, single submitter. Criteria: LMM Criteria. Collection method: clinical testing. Allele origin: germline. Observed: 1 variant allele.
Comment: p.Phe2801Val in exon 59 of CDH23: This variant is not expected to have clinical significance because it has been identified in 0.4% (38/8558) of East Asian chro mosomes by the Exome Aggregation Consortium (ExAC, g; dbSNP rs3802707).

Literature cited by the submitters: PubMed 17850630 (cited by 3 submitters); PubMed 22899989 (cited by 3 submitters); PubMed 24767429 (cited by 3 submitters); PubMed 30245029 (cited by Mayo Clinic Laboratories, Mayo Clinic).

NM_022124.6(CDH23):c.8401T>G (p.Phe2801Val)

Gene: CDH23 (cadherin related 23; plus strand). Cytogenetic location: 10q22.1.
Variant type: single nucleotide variant.
Coding change: c.8401T>G on transcript NM_022124.6 (MANE Select); coding-DNA position 8401, T replaced by G.
Protein change: p.Phe2801Val; replaces phenylalanine 2801 with valine.
Molecular consequence: missense variant.
Genome position (GRCh38, 1-based): chr10:71,807,608, T>G. VCF-style: chr10-71807608-T-G. GRCh37 (hg19) VCF-style: chr10-73567365-T-G.
Other names: c.1681T>G, p.Phe561Val (NM_001171933.1, NM_001171934.1); short protein forms F2801V, F561V.
Identifiers: ClinVar variation 504516 (VCV000504516.24), dbSNP rs3802707, ClinGen allele CA5546643.